The following is an entry in ClinVar:

ClinVar aggregate classification (germline): Uncertain significance (1 of 4 stars; one submission).

Submission:

GeneDx
Classification: Uncertain significance. Last evaluated: 2024-07-10. Review status: criteria provided, single submitter. Criteria: GeneDx Variant Classification Process June 2021. Collection method: clinical testing. Allele origin: germline. Affected: yes.
Comment: Not observed at significant frequency in large population cohorts (gnomAD); In-frame deletion of 1 amino acid in a non-repeat region; In silico analysis supports a deleterious effect on protein structure/function; Has not been previously published as pathogenic or benign to our knowledge

NM_001042424.3(NSD2):c.3847CAT[1] (p.His1284del)

Gene: NSD2 (nuclear receptor binding SET domain protein 2; plus strand). Cytogenetic location: 4p16.3.
Variant type: Microsatellite.
Coding change: c.3847CAT[1] on transcript NM_001042424.3 (MANE Select); one copy of the 3-base unit CAT starting at c.3847; the reference has two copies in a row; one copy, 3 bases deleted.
Protein change: p.His1284del; deletes histidine 1284.
Genome position (GRCh38, 1-based): chr4:1,978,661-1,978,663, CAT deleted; deleting any 3 consecutive bases within chr4:1,978,658-1,978,663 gives the same sequence; the position shown is the placement nearest the transcript's 3' end. VCF-style (leftmost placement, unchanged base first): chr4-1978657-GCAT-G. GRCh37 (hg19) VCF-style: chr4-1980384-GCAT-G.
Other names: c.3847CAT[1], p.His1284del (NM_133330.3, NM_133331.3, NM_133335.4); short protein forms H1284del.
Identifiers: ClinVar variation 3572766 (VCV003572766.1).